The following is an entry in ClinVar:

NM_005159.5(ACTC1):c.130-3T>C

Genes: GJD2-DT (GJD2 divergent transcript; plus strand), ACTC1 (actin alpha cardiac muscle 1; minus strand). Cytogenetic location: 15q14.
Variant type: single nucleotide variant.
Coding change: c.130-3T>C on transcript NM_005159.5 (MANE Select); 3 bases into the intron before coding-DNA position 130, T replaced by C.
Molecular consequence: intron variant.
Genome position (GRCh38, 1-based): chr15:34,793,572, A>G on the plus strand (T>C on the coding strand, the complement: ACTC1 is on the minus strand). VCF-style: chr15-34793572-A-G. GRCh37 (hg19) VCF-style: chr15-35085773-A-G.
Identifiers: ClinVar variation 915805 (VCV000915805.4), dbSNP rs745838366, ClinGen allele CA041045.

ClinVar aggregate classification (germline): Uncertain significance. Review status: criteria provided, multiple submitters, no conflicts (2 of 4 stars). 2 submissions from 2 submitters: Uncertain significance (2). Last evaluated 2025-01-22.

Conditions:
Hypertrophic cardiomyopathy 11. Also called: ACTC1-Related Familial Hypertrophic Cardiomyopathy. Identifiers: MedGen C2677506, MONDO:0012799, OMIM 612098.
Dilated cardiomyopathy 1R (CMD1R). Identifiers: Orphanet 154, Orphanet 54260, MedGen C3150681, MONDO:0013261, OMIM 613424.
Atrial septal defect 5 (ASD5). Identifiers: Orphanet 1478, MedGen C2748552, MONDO:0013011, OMIM 612794.
Cardiomyopathy (CMYO). Also called: Cardiomyopathies. Identifiers: Orphanet 167848, MedGen C0878544, MONDO:0004994, HP:0001638. Inheritance: Various modes of inheritance.

Allele frequency attached by ClinVar (database versions not stated): gnomAD exomes below 0.00001 and 0.00001; ExAC 0.00001.
gnomAD v4.1: 7 of 1,613,664 alleles (0.00043%); highest among the groups gnomAD compares: South Asian, 0.0044%; no homozygotes.

Submissions (2):

Labcorp Genetics (formerly Invitae), Labcorp
Classification: Uncertain significance for Dilated cardiomyopathy 1R; Hypertrophic cardiomyopathy 11; Atrial septal defect 5. Last evaluated: 2025-01-22. Review status: criteria provided, single submitter. Criteria: Invitae Variant Classification Sherloc (09022015). Collection method: clinical testing. Allele origin: germline.
Comment: This sequence change falls in intron 2 of the ACTC1 gene. It does not directly change the encoded amino acid sequence of the ACTC1 protein. It affects a nucleotide within the consensus splice site. This variant is present in population databases (rs745838366, gnomAD 0.007%). This variant has not been reported in the literature in individuals affected with ACTC1-related conditions. ClinVar contains an entry for this variant (Variation ID: 915805). Variants that disrupt the consensus splice site are a relatively common cause of aberrant splicing (PMID: 17576681, 9536098). Algorithms developed to predict the effect of sequence changes on RNA splicing suggest that this variant is not likely to affect RNA splicing. In summary, the available evidence is currently insufficient to determine the role of this variant in disease. Therefore, it has been classified as a Variant of Uncertain Significance.

CHEO Genetics Diagnostic Laboratory, Children's Hospital of Eastern Ontario
Classification: Uncertain significance for Cardiomyopathy. Last evaluated: 2018-09-11. Review status: criteria provided, single submitter. Criteria: ACMG Guidelines, 2015. Collection method: clinical testing. Allele origin: germline.

Literature cited by the submitters: PubMed 17576681 (cited by Labcorp Genetics (formerly Invitae), Labcorp); PubMed 9536098 (cited by Labcorp Genetics (formerly Invitae), Labcorp).